The following is an entry in ClinVar:

ClinVar aggregate classification (germline): Pathogenic (1 of 4 stars; one submission).

Submission:

Labcorp Genetics (formerly Invitae), Labcorp
Classification: Pathogenic. Last evaluated: 2023-11-03. Review status: criteria provided, single submitter. Criteria: Invitae Variant Classification Sherloc (09022015). Collection method: clinical testing. Allele origin: germline.
Comment: This sequence change creates a premature translational stop signal (p.Thr2075Lysfs*56) in the ZNF292 gene. While this is not anticipated to result in nonsense mediated decay, it is expected to disrupt the last 649 amino acid(s) of the ZNF292 protein. This variant is not present in population databases (gnomAD no frequency). This variant has not been reported in the literature in individuals affected with ZNF292-related conditions. This variant disrupts a region of the ZNF292 protein in which other variant(s) (p. Arg2181*) have been determined to be pathogenic (PMID: 31723249). This suggests that this is a clinically significant region of the protein, and that variants that disrupt it are likely to be disease-causing. For these reasons, this variant has been classified as Pathogenic.

Literature cited by the submitters: PubMed 31723249.

NM_015021.3(ZNF292):c.6224_6227del (p.Thr2075fs)

Gene: ZNF292 (zinc finger protein 292; plus strand). Cytogenetic location: 6q14.3.
Variant type: Microsatellite.
Coding change: c.6224_6227del on transcript NM_015021.3 (MANE Select); coding-DNA positions 6224 to 6227, 4 bases deleted (CACA; older notation c.6224_6227delCACA).
Protein change: p.Thr2075fs; shifts the reading frame from threonine 2075.
Molecular consequence: frameshift variant.
Genome position (GRCh38, 1-based): chr6:87,259,853-87,259,856, CACA deleted; deleting any 4 consecutive bases within chr6:87,259,850-87,259,856 gives the same sequence; the c. name uses the placement nearest the transcript's 3' end. VCF-style (leftmost placement, unchanged base first): chr6-87259849-AACAC-A. GRCh37 (hg19) VCF-style: chr6-87969567-AACAC-A.
Other names: c.5804_5807del, p.Thr1935fs (NM_001351444.2); short protein forms T1935fs, T2075fs.
Identifiers: ClinVar variation 1361326 (VCV001361326.6), dbSNP rs2127871916, ClinGen allele CA2580617308.